The following is an entry in ClinVar:

ClinVar aggregate classification (germline): Pathogenic (1 of 4 stars; one submission).

Conditions:
Spastic paraplegia. Identifiers: MedGen C0037772, HP:0001258.

Submission:

Labcorp Genetics (formerly Invitae), Labcorp
Classification: Pathogenic for Spastic paraplegia. Last evaluated: 2022-07-15. Review status: criteria provided, single submitter. Criteria: Invitae Variant Classification Sherloc (09022015). Collection method: clinical testing. Allele origin: germline.
Comment: This sequence change creates a premature translational stop signal (p.Ser75*) in the GJC2 gene. While this is not anticipated to result in nonsense mediated decay, it is expected to disrupt the last 365 amino acid(s) of the GJC2 protein. This variant is not present in population databases (gnomAD no frequency). This variant has not been reported in the literature in individuals affected with GJC2-related conditions. This variant disrupts a region of the GJC2 protein in which other variant(s) (p.Arg240*) have been determined to be pathogenic (PMID: 15192806; Invitae). This suggests that this is a clinically significant region of the protein, and that variants that disrupt it are likely to be disease-causing. For these reasons, this variant has been classified as Pathogenic.

Literature cited by the submitters: PubMed 15192806.

NM_020435.4(GJC2):c.224C>A (p.Ser75Ter)

Gene: GJC2 (gap junction protein gamma 2; plus strand). Cytogenetic location: 1q42.13.
Variant type: single nucleotide variant.
Coding change: c.224C>A on transcript NM_020435.4 (MANE Select); coding-DNA position 224, C replaced by A.
Protein change: p.Ser75Ter; replaces serine 75 with a stop codon.
Molecular consequence: nonsense.
Genome position (GRCh38, 1-based): chr1:228,157,982, C>A. VCF-style: chr1-228157982-C-A. GRCh37 (hg19) VCF-style: chr1-228345683-C-A.
Other names: short protein forms S75*.
Identifiers: ClinVar variation 2101617 (VCV002101617.4), dbSNP rs2527875494, ClinGen allele CA345097169.